The following is an entry in ClinVar:

ClinVar aggregate classification (germline): Uncertain significance (1 of 4 stars; one submission).

Conditions:
Inborn genetic diseases. Identifiers: MedGen C0950123, MeSH D030342.

Submission:

Ambry Genetics
Classification: Uncertain significance for Inborn genetic diseases. Last evaluated: 2021-10-09. Review status: criteria provided, single submitter. Criteria: Ambry Variant Classification Scheme 2023. Collection method: clinical testing. Allele origin: germline.
Comment: The c.7171_7173delGAA (p.E2391del) alteration is located in exon 25 (coding exon 23) of the LYST gene. This alteration consists of an in-frame deletion of 3 nucleotides between nucleotide positions c.7171 and c.7173, resulting in the deletion of <NA> residues. Based on insufficient or conflicting evidence, the clinical significance of this alteration remains unclear.

NM_000081.4(LYST):c.7171_7173del (p.Glu2391del)

Gene: LYST (lysosomal trafficking regulator; minus strand). Cytogenetic location: 1q42.3.
Variant type: Deletion.
Coding change: c.7171_7173del on transcript NM_000081.4 (MANE Select); coding-DNA positions 7171 to 7173, 3 bases deleted (GAA; older notation c.7171_7173delGAA).
Protein change: p.Glu2391del; deletes glutamic acid 2391.
Molecular consequence: inframe deletion.
Genome position (GRCh38, 1-based): chr1:235,755,534-235,755,536, TTC deleted on the plus strand (GAA on the coding strand, the reverse complement: LYST is on the minus strand); deleting any 3 consecutive bases within chr1:235,755,534-235,755,538 gives the same sequence; the c. name uses the placement nearest the transcript's 3' end. VCF-style (leftmost placement, unchanged base first): chr1-235755533-ATTC-A. GRCh37 (hg19) VCF-style: chr1-235918833-ATTC-A.
Other names: c.7171_7173del, p.Glu2391del (NM_001301365.1); short protein forms E2391del.
Identifiers: ClinVar variation 2248647 (VCV002248647.2), dbSNP rs2527761017, ClinGen allele CA2580062311.